The following is an entry in ClinVar:

ClinVar aggregate classification (germline): Pathogenic (1 of 4 stars; one submission).

Conditions:
LAMA2-related muscular dystrophy (LAMA2-RD). Also called: Laminin alpha 2-related dystrophy. Identifiers: MedGen C5679788, MONDO:0100228.

Submission:

Labcorp Genetics (formerly Invitae), Labcorp
Classification: Pathogenic for LAMA2-related muscular dystrophy. Last evaluated: 2023-01-17. Review status: criteria provided, single submitter. Criteria: Invitae Variant Classification Sherloc (09022015). Collection method: clinical testing. Allele origin: germline.
Comment: Algorithms developed to predict the effect of sequence changes on RNA splicing suggest that this variant may disrupt the consensus splice site. This sequence change creates a premature translational stop signal (p.Glu1528Valfs*2) in the LAMA2 gene. It is expected to result in an absent or disrupted protein product. Loss-of-function variants in LAMA2 are known to be pathogenic (PMID: 18700894, 32904964). This variant is not present in population databases (gnomAD no frequency). This variant has not been reported in the literature in individuals affected with LAMA2-related conditions. ClinVar contains an entry for this variant (Variation ID: 1410090). For these reasons, this variant has been classified as Pathogenic.

Literature cited by the submitters: PubMed 18700894; PubMed 32904964.

NM_000426.4(LAMA2):c.4583_4584del (p.Glu1528fs)

Gene: LAMA2 (laminin subunit alpha 2; plus strand). Cytogenetic location: 6q22.33.
Variant type: Deletion.
Coding change: c.4583_4584del on transcript NM_000426.4 (MANE Select); coding-DNA positions 4583 to 4584, 2 bases deleted (AG; older notation c.4583_4584delAG).
Protein change: p.Glu1528fs; shifts the reading frame from glutamic acid 1528.
Molecular consequence: frameshift variant.
Genome position (GRCh38, 1-based): chr6:129,353,223-129,353,224, AG deleted; deleting any 2 consecutive bases within chr6:129,353,222-129,353,224 gives the same sequence; the c. name uses the placement nearest the transcript's 3' end. VCF-style (leftmost placement, unchanged base first): chr6-129353221-TGA-T. GRCh37 (hg19) VCF-style: chr6-129674366-TGA-T.
Other names: c.4583_4584del, p.Glu1528fs (NM_001079823.2); short protein forms E1528fs.
Identifiers: ClinVar variation 1410090 (VCV001410090.6), dbSNP rs2114593280, ClinGen allele CA2573140608.